The following is an entry in ClinVar:

ClinVar aggregate classification (germline): Uncertain significance. Review status: criteria provided, multiple submitters, no conflicts (2 of 4 stars). 2 submissions from 2 submitters: Uncertain significance (2). Last evaluated 2023-09-27.

Allele frequency attached by ClinVar (database versions not stated): gnomAD exomes below 0.00001 and 0.00001.
gnomAD v4.1: 3 of 1,614,088 alleles (0.00019%); highest among the groups gnomAD compares: East Asian, 0.0045%; no homozygotes.

Submissions (2):

Blueprint Genetics
Classification: Uncertain significance. Last evaluated: 2023-09-27. Review status: criteria provided, single submitter. Criteria: ACMG Guidelines, 2015. Collection method: clinical testing. Allele origin: germline.

GeneDx
Classification: Uncertain significance. Last evaluated: 2020-09-11. Review status: criteria provided, single submitter. Criteria: GeneDx Variant Classification Process June 2021. Collection method: clinical testing. Allele origin: germline. Affected: yes.
Comment: Not observed at a significant frequency in large population cohorts (Lek et al., 2016); In silico analysis supports that this missense variant has a deleterious effect on protein structure/function; Identified in an individual with bilateral sensorineural hearing loss (Miyagawa et al., 2013); This variant is associated with the following publications: (PMID: 23967202, 29529044)

NM_006005.3(WFS1):c.908T>C (p.Leu303Pro)

Gene: WFS1 (wolframin ER transmembrane glycoprotein; plus strand). Cytogenetic location: 4p16.1.
Variant type: single nucleotide variant.
Coding change: c.908T>C on transcript NM_006005.3 (MANE Select); coding-DNA position 908, T replaced by C.
Protein change: p.Leu303Pro; replaces leucine 303 with proline.
Molecular consequence: missense variant.
Genome position (GRCh38, 1-based): chr4:6,300,703, T>C. VCF-style: chr4-6300703-T-C. GRCh37 (hg19) VCF-style: chr4-6302430-T-C.
Other names: c.908T>C, p.Leu303Pro (NM_001145853.1); short protein forms L303P.
Identifiers: ClinVar variation 1317613 (VCV001317613.3), dbSNP rs1471076063, ClinGen allele CA356173863.